The following is an entry in ClinVar:

NM_000168.6(GLI3):c.4441T>C (p.Ser1481Pro)

Gene: GLI3 (GLI family zinc finger 3; minus strand). Cytogenetic location: 7p14.1.
Variant type: single nucleotide variant.
Coding change: c.4441T>C on transcript NM_000168.6 (MANE Select); coding-DNA position 4441, T replaced by C.
Protein change: p.Ser1481Pro; replaces serine 1481 with proline.
Molecular consequence: missense variant.
Genome position (GRCh38, 1-based): chr7:41,964,632, A>G on the plus strand (T>C on the coding strand, the complement: GLI3 is on the minus strand). VCF-style: chr7-41964632-A-G. GRCh37 (hg19) VCF-style: chr7-42004230-A-G.
Other names: short protein forms S1481P.
Identifiers: ClinVar variation 3377987 (VCV003377987.1).

ClinVar aggregate classification (germline): Uncertain significance (1 of 4 stars; one submission).

Submission:

GeneDx
Classification: Uncertain significance. Last evaluated: 2024-05-17. Review status: criteria provided, single submitter. Criteria: GeneDx Variant Classification Process June 2021. Collection method: clinical testing. Allele origin: germline. Affected: yes.
Comment: Not observed at significant frequency in large population cohorts (gnomAD); In silico analysis supports that this missense variant has a deleterious effect on protein structure/function; Has not been previously published as pathogenic or benign to our knowledge